The following is an entry in ClinVar:

ClinVar aggregate classification (germline): Uncertain significance (1 of 4 stars; one submission).

Conditions:
Hereditary cancer-predisposing syndrome. Also called: Hereditary Cancer Syndrome; Hereditary neoplastic syndrome; Neoplastic Syndromes, Hereditary; Tumor predisposition. Identifiers: Orphanet 140162, MedGen C0027672, MeSH D009386, MONDO:0015356.

Submission:

Ambry Genetics
Classification: Uncertain significance for Hereditary cancer-predisposing syndrome. Last evaluated: 2022-02-12. Review status: criteria provided, single submitter. Criteria: Ambry Variant Classification Scheme 2023. Collection method: clinical testing. Allele origin: germline.
Comment: The p.V143L variant (also known as c.427G>C), located in coding exon 2 of the MSH6 gene, results from a G to C substitution at nucleotide position 427. The valine at codon 143 is replaced by leucine, an amino acid with highly similar properties. This amino acid position is conserved. In addition, the in silico prediction for this alteration is inconclusive. Since supporting evidence is limited at this time, the clinical significance of this alteration remains unclear.

NM_000179.3(MSH6):c.427G>C (p.Val143Leu)

Gene: MSH6 (mutS homolog 6; plus strand). Cytogenetic location: 2p16.3.
Variant type: single nucleotide variant.
Coding change: c.427G>C on transcript NM_000179.3 (MANE Select); coding-DNA position 427, G replaced by C.
Protein change: p.Val143Leu; replaces valine 143 with leucine.
Molecular consequence: missense variant. On other transcripts: 5 prime UTR variant (2), intron variant (1).
Genome position (GRCh38, 1-based): chr2:47,791,093, G>C. VCF-style: chr2-47791093-G-C. GRCh37 (hg19) VCF-style: chr2-48018232-G-C.
Other names: c.-310G>C (NM_001281493.2, NM_001406811.1, NM_001406823.1 and 1 more transcripts); c.-476G>C (NM_001281494.2); c.523G>C, p.Val175Leu (NM_001406795.1, NM_001406802.1); c.427G>C, p.Val143Leu (NM_001406796.1, NM_001406798.1, NM_001406800.1 and 6 more transcripts); c.130G>C, p.Val44Leu (NM_001406797.1, NM_001406801.1, NM_001406805.1 and 10 more transcripts); c.349G>C, p.Val117Leu (NM_001406804.1); c.-502G>C (NM_001406807.1); c.-568G>C (NM_001406814.1); and 2 more; short protein forms V87L, V117L, V175L, V143L, V44L.
Identifiers: ClinVar variation 1739340 (VCV001739340.2), dbSNP rs876661110, ClinGen allele CA346737149.